The following is an entry in ClinVar:

NM_001378454.1(ALMS1):c.2214_2215dup (p.Thr739fs)

Gene: ALMS1 (ALMS1 centrosome and basal body associated protein; plus strand). Cytogenetic location: 2p13.1.
Variant type: Microsatellite.
Coding change: c.2214_2215dup on transcript NM_001378454.1 (MANE Select); coding-DNA positions 2214 to 2215, 2 bases duplicated (GA; older notation c.2214_2215dupGA).
Protein change: p.Thr739fs; shifts the reading frame from threonine 739.
Molecular consequence: frameshift variant.
Genome position (GRCh38, 1-based): chr2:73,448,741-73,448,742, GA duplicated; duplicating any 2 consecutive bases within chr2:73,448,738-73,448,742 gives the same sequence; the c. name uses the placement nearest the transcript's 3' end. VCF-style (leftmost placement, unchanged base first): chr2-73448737-A-AAG. GRCh37 (hg19) VCF-style: chr2-73675864-A-AAG.
Other names: c.2217_2218dup, p.Thr740fs (NM_015120.4); c.2217_2218dupGA (NM_015120.4); short protein forms T739fs, T740fs.
Identifiers: ClinVar variation 3226596 (VCV003226596.1), dbSNP rs2466093899, ClinGen allele CA2825001156.

ClinVar aggregate classification (germline): Pathogenic (1 of 4 stars; one submission).

Conditions:
Cardiovascular phenotype. Identifiers: MedGen CN230736.

Submission:

Ambry Genetics
Classification: Pathogenic for Cardiovascular phenotype. Last evaluated: 2023-11-15. Review status: criteria provided, single submitter. Criteria: Ambry Variant Classification Scheme 2023. Collection method: clinical testing. Allele origin: germline.
Comment: The c.2217_2218dupGA pathogenic mutation, located in coding exon 8 of the ALMS1 gene, results from a duplication of GA at nucleotide position 2217, causing a translational frameshift with a predicted alternate stop codon (p.T740Rfs*41). This variant is considered to be rare based on population cohorts in the Genome Aggregation Database (gnomAD). This alteration is expected to result in loss of function by premature protein truncation or nonsense-mediated mRNA decay. As such, this alteration is interpreted as a disease-causing mutation.